The following is an entry in ClinVar:

NM_181836.6(TMED7):c.572T>C (p.Val191Ala)

Genes: TICAM2-AS1 (TICAM2 antisense RNA 1; plus strand), TMED7 (transmembrane p24 trafficking protein 7; minus strand), TMED7-TICAM2 (TMED7-TICAM2 readthrough; minus strand). Cytogenetic location: 5q22.3.
Variant type: single nucleotide variant.
Coding change: c.572T>C on transcript NM_181836.6 (MANE Select); coding-DNA position 572, T replaced by C.
Protein change: p.Val191Ala; replaces valine 191 with alanine.
Molecular consequence: missense variant. On other transcripts: intron variant (2).
Genome position (GRCh38, 1-based): chr5:115,616,312, A>G on the plus strand (T>C on the coding strand, the complement: TMED7 is on the minus strand). VCF-style: chr5-115616312-A-G. GRCh37 (hg19) VCF-style: chr5-114952009-A-G.
Other names: c.566+6T>C (NM_001164468.4, NM_001164469.4); c.572T>C (NM_181836.5); short protein forms V191A.
Identifiers: ClinVar variation 1990854 (VCV001990854.5), dbSNP rs775668807, ClinGen allele CA3375136.
Genomic context (GRCh38, chr5:115,616,312, plus strand): 5'-AAGCTTTTCAAAAGAAATACCTGCCCTATGCTAACCACCAGAAGAATGAGGGCTTCTCCT[A>G]CTGACCAATAGGCCACTCTTGTATTTAGATCCTCTGCTCGGCTTCGGCCTTGAGCTTCTC-3'
Protein context (NP_861974.1, residues 181-201): DLNTRVAYWS[Val191Ala]GEALILLVVS

ClinVar aggregate classification (germline): Uncertain significance. Review status: criteria provided, multiple submitters, no conflicts (2 of 4 stars). 2 submissions from 2 submitters: Uncertain significance (2). Last evaluated 2025-02-26.

Allele frequency attached by ClinVar (database versions not stated): ExAC 0.00001; gnomAD 0.00003; gnomAD exomes 0.00003; TOPMed 0.00003.

Submissions (2):

Ambry Genetics
Classification: Uncertain significance. Last evaluated: 2025-02-26. Review status: criteria provided, single submitter. Criteria: Ambry Variant Classification Scheme 2023. Collection method: clinical testing. Allele origin: germline.

Labcorp Genetics (formerly Invitae), Labcorp
Classification: Uncertain significance. Last evaluated: 2023-09-17. Review status: criteria provided, single submitter. Criteria: Invitae Variant Classification Sherloc (09022015). Collection method: clinical testing. Allele origin: germline.
Comment: This sequence change replaces valine, which is neutral and non-polar, with alanine, which is neutral and non-polar, at codon 191 of the TMED7 protein (p.Val191Ala). In summary, the available evidence is currently insufficient to determine the role of this variant in disease. Therefore, it has been classified as a Variant of Uncertain Significance. An algorithm developed to predict the effect of missense changes on protein structure and function (PolyPhen-2) suggests that this variant is likely to be tolerated. ClinVar contains an entry for this variant (Variation ID: 1990854). This variant has not been reported in the literature in individuals affected with TMED7-related conditions. This variant is present in population databases (rs775668807, gnomAD 0.0009%).